The following is an entry in ClinVar:

ClinVar aggregate classification (germline): Conflicting classifications of pathogenicity. Review status: criteria provided, conflicting classifications (1 of 4 stars). 3 submissions from 3 submitters: Uncertain significance (2); Benign (1). Last evaluated 2025-10-29.

Conditions:
Primary ciliary dyskinesia. Also called: Ciliary dyskinesia. Identifiers: Orphanet 244, MedGen C0008780, MONDO:0016575, HP:0012265.

Allele frequency attached by ClinVar (database versions not stated): ExAC 0.00001; gnomAD 0.00001; TOPMed 0.00001; gnomAD exomes 0.00002.
gnomAD v4.1: 24 of 1,610,934 alleles (0.0015%); highest among the groups gnomAD compares: Admixed American, 0.032%; no homozygotes.

Submissions (3):

Labcorp Genetics (formerly Invitae), Labcorp
Classification: Benign for Primary ciliary dyskinesia. Last evaluated: 2025-10-29. Review status: criteria provided, single submitter. Criteria: Invitae Variant Classification Sherloc (09022015). Collection method: clinical testing. Allele origin: germline.

GeneDx
Classification: Uncertain significance. Last evaluated: 2025-05-13. Review status: criteria provided, single submitter. Criteria: GeneDx Variant Classification Process June 2021. Collection method: clinical testing. Allele origin: germline. Affected: yes.
Comment: In silico analysis supports that this missense variant has a deleterious effect on protein structure/function; Has not been previously published as pathogenic or benign to our knowledge

Ambry Genetics
Classification: Uncertain significance for Primary ciliary dyskinesia. Last evaluated: 2024-11-26. Review status: criteria provided, single submitter. Criteria: Ambry Variant Classification Scheme 2023. Collection method: clinical testing. Allele origin: germline.

NM_001277115.2(DNAH11):c.5492C>G (p.Ser1831Cys)

Gene: DNAH11 (dynein axonemal heavy chain 11; plus strand). Cytogenetic location: 7p15.3.
Variant type: single nucleotide variant.
Coding change: c.5492C>G on transcript NM_001277115.2 (MANE Select); coding-DNA position 5492, C replaced by G.
Protein change: p.Ser1831Cys; replaces serine 1831 with cysteine.
Molecular consequence: missense variant.
Genome position (GRCh38, 1-based): chr7:21,683,815, C>G. VCF-style: chr7-21683815-C-G. GRCh37 (hg19) VCF-style: chr7-21723433-C-G.
Other names: c.5492C>G (NM_001277115.1); c.5513C>G, p.Ser1838Cys (NM_003777.3); short protein forms S1838C, S1831C.
Identifiers: ClinVar variation 2073319 (VCV002073319.6), dbSNP rs751199223, ClinGen allele CA4180455.